The following is an entry in ClinVar:

NM_004686.5(MTMR7):c.1565T>C (p.Met522Thr)

Genes: MTMR7 (myotubularin related protein 7; minus strand), VPS37A (VPS37A subunit of ESCRT-I; plus strand). Cytogenetic location: 8p22.
Variant type: single nucleotide variant.
Coding change: c.1565T>C on transcript NM_004686.5 (MANE Select); coding-DNA position 1565, T replaced by C.
Protein change: p.Met522Thr; replaces methionine 522 with threonine.
Molecular consequence: missense variant. On other transcripts: intron variant (2).
Genome position (GRCh38, 1-based): chr8:17,302,209, A>G on the plus strand (T>C on the coding strand, the complement: MTMR7 is on the minus strand). VCF-style: chr8-17302209-A-G. GRCh37 (hg19) VCF-style: chr8-17159718-A-G.
Other names: c.*906+15782A>G (NM_001363172.2); c.*1194+15782A>G (NM_001363173.2); short protein forms M522T.
Identifiers: ClinVar variation 3042663 (VCV003042663.2), dbSNP rs117739013, ClinGen allele CA4643818.

ClinVar aggregate classification (germline): Likely benign (0 of 4 stars; one submission).

Conditions:
MTMR7-related disorder. Also called: MTMR7-related condition.

Allele frequency attached by ClinVar (database versions not stated): gnomAD 0.00229; ESP Exome Variant Server 0.00261; gnomAD exomes 0.00283; TOPMed 0.00184; 1000 Genomes Project 0.00020; 1000 Genomes Project 30x 0.00047; ExAC 0.00197.
gnomAD v4.1: 4,465 of 1,614,098 alleles (0.28%); highest among the groups gnomAD compares: Non-Finnish European, 0.33%; 13 homozygotes.

Submission:

PreventionGenetics, part of Exact Sciences
Classification: Likely benign for MTMR7-related condition. Last evaluated: 2022-02-03. Review status: no assertion criteria provided. Collection method: clinical testing. Allele origin: germline.
Comment: This variant is classified as likely benign based on ACMG/AMP sequence variant interpretation guidelines (Richards et al. 2015 PMID: 25741868, with internal and published modifications).